The following is an entry in ClinVar:

ClinVar aggregate classification (germline): Conflicting classifications of pathogenicity. Review status: criteria provided, conflicting classifications (1 of 4 stars). 3 submissions from 3 submitters: Pathogenic (1); Uncertain significance (1). 1 of the submissions does not count toward it. Last evaluated 2026-01-03.

Conditions:
Pontocerebellar hypoplasia type 6 (PCH6). Identifiers: Orphanet 166073, MedGen C1969084, MONDO:0012683, OMIM 611523.

Allele frequency attached by ClinVar (database versions not stated): gnomAD 0.00001; gnomAD exomes 0.00001; TOPMed 0.00002.
gnomAD v4.1: 6 of 1,607,266 alleles (0.00037%); highest among the groups gnomAD compares: Non-Finnish European, 0.00051%; no homozygotes.

Submissions (3):

Labcorp Genetics (formerly Invitae), Labcorp
Classification: Pathogenic. Last evaluated: 2026-01-03. Review status: criteria provided, single submitter. Criteria: Invitae Variant Classification Sherloc (09022015). Collection method: clinical testing. Allele origin: germline.
Comment: This sequence change replaces methionine, which is neutral and non-polar, with valine, which is neutral and non-polar, at codon 342 of the RARS2 protein (p.Met342Val). This variant is not present in population databases (gnomAD no frequency). This missense change has been observed in individual(s) with RARS2-related conditions (PMID: 20635367). In at least one individual the data is consistent with being in trans (on the opposite chromosome) from a pathogenic variant. ClinVar contains an entry for this variant (Variation ID: 30911). Invitae Evidence Modeling of protein sequence and biophysical properties (such as structural, functional, and spatial information, amino acid conservation, physicochemical variation, residue mobility, and thermodynamic stability) indicates that this missense variant is expected to disrupt RARS2 protein function with a positive predictive value of 95%. Experimental studies are conflicting or provide insufficient evidence to determine the effect of this variant on RARS2 function (PMID: 30006346). This variant disrupts the p.Met342 amino acid residue in RARS2. Other variant(s) that disrupt this residue have been determined to be pathogenic (PMID: 27290639, 38622473). This suggests that this residue is clinically significant, and that variants that disrupt this residue are likely to be disease-causing. For these reasons, this variant has been classified as Pathogenic.

Women's Health and Genetics/Laboratory Corporation of America, LabCorp
Classification: Uncertain significance. Last evaluated: 2024-05-22. Review status: criteria provided, single submitter. Criteria: LabCorp Variant Classification Summary - May 2015. Collection method: clinical testing. Allele origin: germline.
Comment: Variant summary: RARS2 c.1024A>G (p.Met342Val) results in a conservative amino acid change located in the Arginyl-tRNA synthetase, catalytic core domain (IPR035684) of the encoded protein sequence. Three of five in-silico tools predict a damaging effect of the variant on protein function. The variant was absent in 250688 control chromosomes. The available data on variant occurrences in the general population are insufficient to allow any conclusion about variant significance. c.1024A>G has been reported in the literature as a compound heterozygous genotype in trans with a pathogenic variant (ClinVar) in at least 1 individual affected with features of Pontocerebellar Hypoplasia, Type 6 who has been subsequently cited by others (example, Rankin_2010, cited in Namavar_2011, Nishri_2016, Ngoh_2016, Aldinger_2019, Nevanlinna_2020). In this individual, despite the absence of respiratory chain defects, the MRI findings and lactic acidosis were felt to be consistent with PCH6 and only the RARS2 gene was analyzed. Further, a different missense variant at the same codon p.Met342Ile has been reported to be LP/P by at least 5 laboratories in ClinVar, supporting the clinical importance of this amino acid residue. These data do not allow firm conclusions about variant significance. In vitro functional analysis found this variant had no effect on protein localization or expression, however function was not assessed (example, Gonzlez-Serrano_2018). The following publications have been ascertained in the context of this evaluation (PMID: 31474318, 30006346, 20952379, 31536827, 27061686, 26970947, 20635367). No other clinical diagnostic laboratories have submitted clinical-significance assessments for this variant to ClinVar after 2014. Based on the evidence outlined above, the variant was classified as VUS-possibly pathogenic.

OMIM
Classification: Pathogenic for PONTOCEREBELLAR HYPOPLASIA, TYPE 6. Last evaluated: 2010-08-01. Review status: no assertion criteria provided. Collection method: literature only. Allele origin: germline. Not counted in ClinVar's aggregate classification.

Literature cited by the submitters: PubMed 20635367 (cited by 3 submitters); PubMed 30006346 (cited by Labcorp Genetics (formerly Invitae), Labcorp and Women's Health and Genetics/Laboratory Corporation of America, LabCorp); PubMed 27290639 (cited by Labcorp Genetics (formerly Invitae), Labcorp); PubMed 38622473 (cited by Labcorp Genetics (formerly Invitae), Labcorp); PubMed 20952379 (cited by Women's Health and Genetics/Laboratory Corporation of America, LabCorp); PubMed 27061686 (cited by Women's Health and Genetics/Laboratory Corporation of America, LabCorp); PubMed 26970947 (cited by Women's Health and Genetics/Laboratory Corporation of America, LabCorp); PubMed 31474318 (cited by Women's Health and Genetics/Laboratory Corporation of America, LabCorp); PubMed 31536827 (cited by Women's Health and Genetics/Laboratory Corporation of America, LabCorp).

NM_020320.5(RARS2):c.1024A>G (p.Met342Val)

Gene: RARS2 (arginyl-tRNA synthetase 2, mitochondrial; minus strand). Cytogenetic location: 6q15.
Variant type: single nucleotide variant.
Coding change: c.1024A>G on transcript NM_020320.5 (MANE Select); coding-DNA position 1024, A replaced by G.
Protein change: p.Met342Val; replaces methionine 342 with valine.
Molecular consequence: missense variant. On other transcripts: non-coding transcript variant (23).
Genome position (GRCh38, 1-based): chr6:87,521,475, T>C on the plus strand (A>G on the coding strand, the complement: RARS2 is on the minus strand). VCF-style: chr6-87521475-T-C. GRCh37 (hg19) VCF-style: chr6-88231193-T-C.
Other names: c.499A>G, p.Met167Val (NM_001318785.2, NM_001350506.2, NM_001350507.2 and 4 more transcripts); c.1024A>G, p.Met342Val (NM_001350505.2); short protein forms M342V, M167V.
Identifiers: ClinVar variation 30911 (VCV000030911.5), dbSNP rs387907048, ClinGen allele CA129529.